The following is an entry in ClinVar:

NM_006361.6(HOXB13):c.493C>T (p.Pro165Ser)

Gene: HOXB13 (homeobox B13; minus strand). Cytogenetic location: 17q21.32.
Variant type: single nucleotide variant.
Coding change: c.493C>T on transcript NM_006361.6 (MANE Select); coding-DNA position 493, C replaced by T.
Protein change: p.Pro165Ser; replaces proline 165 with serine.
Molecular consequence: missense variant.
Genome position (GRCh38, 1-based): chr17:48,728,101, G>A on the plus strand (C>T on the coding strand, the complement: HOXB13 is on the minus strand). VCF-style: chr17-48728101-G-A. GRCh37 (hg19) VCF-style: chr17-46805463-G-A.
Other names: short protein forms P165S.
Identifiers: ClinVar variation 690801 (VCV000690801.14), dbSNP rs1597934017, ClinGen allele CA400107340.

ClinVar aggregate classification (germline): Uncertain significance. Review status: criteria provided, multiple submitters, no conflicts (2 of 4 stars). 4 submissions from 4 submitters: Uncertain significance (3). 1 of the submissions does not count toward it. Last evaluated 2025-11-10.

Conditions:
Hereditary cancer-predisposing syndrome. Also called: Neoplastic Syndromes, Hereditary; Tumor predisposition; Hereditary neoplastic syndrome; Hereditary Cancer Syndrome. Identifiers: Orphanet 140162, MedGen C0027672, MeSH D009386, MONDO:0015356.
Prostate cancer, hereditary, 1 (HPC1). Identifiers: Orphanet 1331, MedGen C4722327, MONDO:0011098, OMIM 601518.

Allele frequency attached by ClinVar (database versions not stated): TOPMed below 0.00001.
gnomAD v4.1: 1 of 1,614,222 alleles (0.000062%); no homozygotes.

Submissions (4):

Labcorp Genetics (formerly Invitae), Labcorp
Classification: Uncertain significance. Last evaluated: 2025-11-10. Review status: criteria provided, single submitter. Criteria: Invitae Variant Classification Sherloc (09022015). Collection method: clinical testing. Allele origin: germline.
Comment: This sequence change replaces proline, which is neutral and non-polar, with serine, which is neutral and polar, at codon 165 of the HOXB13 protein (p.Pro165Ser). This variant is not present in population databases (gnomAD no frequency). This variant has not been reported in the literature in individuals affected with HOXB13-related conditions. ClinVar contains an entry for this variant (Variation ID: 690801). Invitae Evidence Modeling of protein sequence and biophysical properties (such as structural, functional, and spatial information, amino acid conservation, physicochemical variation, residue mobility, and thermodynamic stability) indicates that this missense variant is not expected to disrupt HOXB13 protein function with a negative predictive value of 80%. In summary, the available evidence is currently insufficient to determine the role of this variant in disease. Therefore, it has been classified as a Variant of Uncertain Significance.

Quest Diagnostics Nichols Institute San Juan Capistrano
Classification: Uncertain significance. Last evaluated: 2025-08-29. Review status: criteria provided, single submitter. Criteria: Quest Diagnostics criteria. Collection method: clinical testing. Allele origin: unknown.
Comment: The HOXB13 c.493C>T (p.Pro165Ser) variant has not been reported in individuals with HOXB13-related conditions in the published literature. This variant has not been reported in large, multi-ethnic general populations (Genome Aggregation Database). Analysis of this variant using bioinformatics tools for the prediction of the effect of amino acid changes on protein structure and function yielded conflicting predictions that this variant is deleterious or benign. Based on the available information, we are unable to determine the clinical significance of this variant.

Ambry Genetics
Classification: Uncertain significance for Hereditary cancer-predisposing syndrome. Last evaluated: 2024-10-27. Review status: criteria provided, single submitter. Criteria: Ambry Variant Classification Scheme 2023. Collection method: clinical testing. Allele origin: germline.
Comment: The p.P165S variant (also known as c.493C>T), located in coding exon 1 of the HOXB13 gene, results from a C to T substitution at nucleotide position 493. The proline at codon 165 is replaced by serine, an amino acid with similar properties. This amino acid position is highly conserved in available vertebrate species. In addition, the in silico prediction for this alteration is inconclusive. Since supporting evidence is limited at this time, the clinical significance of this alteration remains unclear.

Laboratory of Virology, Microbiology,  Quality and Medical Biotechnologies, Faculty of Sciences and Techniques - Mohammedia, Hassan II University of Casablanca
Classification: Uncertain significance for Prostate cancer, hereditary, 1. Review status: no assertion criteria provided. Collection method: clinical testing. Allele origin: somatic. Affected: yes. Not counted in ClinVar's aggregate classification.